The following is an entry in ClinVar:

NM_007074.4(CORO1A):c.1252G>A (p.Ala418Thr)

Gene: CORO1A (coronin 1A; plus strand). Cytogenetic location: 16p11.2.
Variant type: single nucleotide variant.
Coding change: c.1252G>A on transcript NM_007074.4 (MANE Select); coding-DNA position 1252, G replaced by A.
Protein change: p.Ala418Thr; replaces alanine 418 with threonine.
Molecular consequence: missense variant.
Genome position (GRCh38, 1-based): chr16:30,188,547, G>A. VCF-style: chr16-30188547-G-A. GRCh37 (hg19) VCF-style: chr16-30199868-G-A.
Other names: c.1252G>A, p.Ala418Thr (NM_001193333.3); short protein forms A418T.
Identifiers: ClinVar variation 640137 (VCV000640137.5), dbSNP rs757620393, ClinGen allele CA8003439.

ClinVar aggregate classification (germline): Conflicting classifications of pathogenicity. Review status: criteria provided, conflicting classifications (1 of 4 stars). 3 submissions from 3 submitters: Uncertain significance (2); Likely benign (1). Last evaluated 2023-11-13.

Conditions:
Severe combined immunodeficiency due to CORO1A deficiency. Also called: Immunodeficiency 8; IMMUNODEFICIENCY 8 WITH LYMPHOPROLIFERATION. Identifiers: Orphanet 228003, MedGen C3809383, MONDO:0014168, OMIM 615401.

Allele frequency attached by ClinVar (database versions not stated): gnomAD exomes 0.00005; gnomAD 0.00006 and 0.00007; ExAC 0.00008; TOPMed 0.00009.
gnomAD v4.1: 186 of 1,406,540 alleles (0.013%); highest among the groups gnomAD compares: Non-Finnish European, 0.017%; no homozygotes.

Submissions (3):

Blueprint Genetics
Classification: Likely benign. Last evaluated: 2023-11-13. Review status: criteria provided, single submitter. Criteria: ACMG Guidelines, 2015. Collection method: clinical testing. Allele origin: germline.

Labcorp Genetics (formerly Invitae), Labcorp
Classification: Uncertain significance for Severe combined immunodeficiency due to CORO1A deficiency. Last evaluated: 2022-10-30. Review status: criteria provided, single submitter. Criteria: Invitae Variant Classification Sherloc (09022015). Collection method: clinical testing. Allele origin: germline.
Comment: This sequence change replaces alanine, which is neutral and non-polar, with threonine, which is neutral and polar, at codon 418 of the CORO1A protein (p.Ala418Thr). This variant is present in population databases (rs757620393, gnomAD 0.01%). This variant has not been reported in the literature in individuals affected with CORO1A-related conditions. ClinVar contains an entry for this variant (Variation ID: 640137). Advanced modeling of protein sequence and biophysical properties (such as structural, functional, and spatial information, amino acid conservation, physicochemical variation, residue mobility, and thermodynamic stability) performed at Invitae indicates that this missense variant is not expected to disrupt CORO1A protein function. In summary, the available evidence is currently insufficient to determine the role of this variant in disease. Therefore, it has been classified as a Variant of Uncertain Significance.

Breakthrough Genomics
Classification: Uncertain significance. Review status: criteria provided, single submitter. Criteria: ACMG Guidelines, 2015. Collection method: not provided. Allele origin: germline. Inheritance: Autosomal recessive inheritance. Affected: yes.